The following is an entry in ClinVar:

ClinVar aggregate classification (germline): Uncertain significance (1 of 4 stars; one submission).

Submission:

Ambry Genetics
Classification: Uncertain significance. Last evaluated: 2025-01-31. Review status: criteria provided, single submitter. Criteria: Ambry Variant Classification Scheme 2023. Collection method: clinical testing. Allele origin: germline.
Comment: The c.403C>T (p.R135C) alteration is located in exon 4 (coding exon 3) of the H3F3A gene. This alteration results from a C to T substitution at nucleotide position 403, causing the arginine (R) at amino acid position 135 to be replaced by a cysteine (C). This variant was not reported in population-based cohorts in the Genome Aggregation Database (gnomAD). This amino acid position is highly conserved in available vertebrate species. The in silico prediction for this alteration is inconclusive. Based on insufficient or conflicting evidence, the clinical significance of this alteration remains unclear.

NM_002107.7(H3-3A):c.403C>T (p.Arg135Cys)

Gene: H3-3A (H3.3 histone A; plus strand). Cytogenetic location: 1q42.12.
Variant type: single nucleotide variant.
Coding change: c.403C>T on transcript NM_002107.7 (MANE Select); coding-DNA position 403, C replaced by T.
Protein change: p.Arg135Cys; replaces arginine 135 with cysteine.
Molecular consequence: missense variant.
Genome position (GRCh38, 1-based): chr1:226,071,471, C>T. VCF-style: chr1-226071471-C-T. GRCh37 (hg19) VCF-style: chr1-226259172-C-T.
Other names: c.403C>T, p.Arg135Cys (NM_001379043.1, NM_001379045.1, NM_001379046.1 and 1 more transcripts); short protein forms R135C.
Identifiers: ClinVar variation 3856609 (VCV003856609.1).
Genomic context (GRCh38, chr1:226,071,471, plus strand): 5'-GCCAAACGTGTAACAATTATGCCAAAAGACATCCAGCTAGCACGCCGCATACGTGGAGAA[C>T]GTGCTTAAGAATCCACTATGATGGGAAACATTTCATTCTCAAAAAAAAAAAAAAAAATTT-3'
Protein context (NP_002098.1, residues 125-136): IQLARRIRGE[Arg135Cys]A